The following is an entry in ClinVar:

ClinVar aggregate classification (germline): Benign/Likely benign. Review status: criteria provided, multiple submitters, no conflicts (2 of 4 stars). 10 submissions from 10 submitters: Benign (2); Likely benign (6). 2 of the submissions do not count toward it. Last evaluated 2026-09-01.

Conditions:
ACTN2-related disorder. Also called: ACTN2-related disorders; ACTN2 related condition.
Cardiovascular phenotype. Identifiers: MedGen CN230736.
Primary familial hypertrophic cardiomyopathy (HCM). Identifiers: Orphanet 99739, MedGen C0949658, MeSH D024741, MONDO:0024573. Inheritance: Various modes of inheritance.
Dilated cardiomyopathy 1AA (CMD1AA). Also called: CARDIOMYOPATHY, DILATED, 1AA, WITH OR WITHOUT LEFT VENTRICULAR NONCOMPACTION; CARDIOMYOPATHY, FAMILIAL HYPERTROPHIC, 23, WITH OR WITHOUT LEFT VENTRICULAR NONCOMPACTION; Cardiomyopathy, dilated, 1AA, with or without LVNC. Identifiers: Orphanet 154, MedGen C2677338, MONDO:0012808, OMIM 612158.

Allele frequency attached by ClinVar (database versions not stated): ESP Exome Variant Server 0.00015; TOPMed 0.00018.
gnomAD v4.1: 266 of 1,614,004 alleles (0.016%); highest among the groups gnomAD compares: Non-Finnish European, 0.019%; no homozygotes.

Submissions (10):

CeGaT Center for Human Genetics Tuebingen
Classification: Likely benign. Last evaluated: 2026-09-01. Review status: criteria provided, single submitter. Criteria: CeGaT Center For Human Genetics Tuebingen Variant Classification Criteria Version 2. Collection method: clinical testing. Allele origin: germline. Affected: yes. Observed: 1 variant allele.
Comment: ACTN2: BP4, BP7

PreventionGenetics, part of Exact Sciences
Classification: Likely benign for ACTN2-related condition. Last evaluated: 2026-03-31. Review status: criteria provided, single submitter. Criteria: ACMG Guidelines, 2015. Collection method: clinical testing. Allele origin: germline.
Comment: This variant is classified as likely benign based on ACMG/AMP sequence variant interpretation guidelines (Richards et al. 2015 PMID: 25741868, with internal and published modifications).

Labcorp Genetics (formerly Invitae), Labcorp
Classification: Likely benign for Primary familial hypertrophic cardiomyopathy; Dilated cardiomyopathy 1AA. Last evaluated: 2026-01-15. Review status: criteria provided, single submitter. Criteria: Invitae Variant Classification Sherloc (09022015). Collection method: clinical testing. Allele origin: germline.

Molecular Diagnostic Laboratory for Inherited Cardiovascular Disease, Montreal Heart Institute
Classification: Likely benign. Last evaluated: 2025-04-09. Review status: criteria provided, single submitter. Criteria: ACMG Guidelines, 2015. Collection method: clinical testing. Allele origin: germline. Affected: no.

Blueprint Genetics
Classification: Likely benign. Last evaluated: 2024-10-09. Review status: criteria provided, single submitter. Criteria: ACMG Guidelines, 2015. Collection method: clinical testing. Allele origin: germline.

Women's Health and Genetics/Laboratory Corporation of America, LabCorp
Classification: Benign. Last evaluated: 2021-11-24. Review status: criteria provided, single submitter. Criteria: LabCorp Variant Classification Summary - May 2015. Collection method: clinical testing. Allele origin: germline.

Ambry Genetics
Classification: Likely benign for Cardiovascular phenotype. Last evaluated: 2015-06-18. Review status: criteria provided, single submitter. Criteria: Ambry Variant Classification Scheme 2023. Collection method: clinical testing. Allele origin: germline.

GeneDx
Classification: Benign. Last evaluated: 2013-06-11. Review status: criteria provided, single submitter. Criteria: GeneDx Variant Classification (06012015). Collection method: clinical testing. Allele origin: germline. Affected: yes.
Comment: This variant is considered likely benign or benign based on one or more of the following criteria: it is a conservative change, it occurs at a poorly conserved position in the protein, it is predicted to be benign by multiple in silico algorithms, and/or has population frequency not consistent with disease.

Clinical Genetics DNA and cytogenetics Diagnostics Lab, Erasmus MC, Erasmus Medical Center
Classification: Likely benign. Review status: no assertion criteria provided. Collection method: clinical testing. Allele origin: germline. Affected: yes. Study: VKGL Data-share Consensus. Not counted in ClinVar's aggregate classification.

Clinical Genetics, Academic Medical Center
Classification: Benign. Review status: no assertion criteria provided. Collection method: clinical testing. Allele origin: germline. Affected: yes. Study: VKGL Data-share Consensus. Not counted in ClinVar's aggregate classification.

NM_001103.4(ACTN2):c.1704G>A (p.Ala568=)

Gene: ACTN2 (actinin alpha 2; plus strand). Cytogenetic location: 1q43.
Variant type: single nucleotide variant.
Coding change: c.1704G>A on transcript NM_001103.4 (MANE Select); coding-DNA position 1704, G replaced by A.
Protein change: p.Ala568=; no amino-acid change (alanine 568 retained).
Molecular consequence: synonymous variant.
Genome position (GRCh38, 1-based): chr1:236,751,517, G>A. VCF-style: chr1-236751517-G-A. GRCh37 (hg19) VCF-style: chr1-236914817-G-A.
Other names: p.A568A:GCG>GCA; c.1704G>A, p.Ala568= (NM_001278343.2); c.1080G>A, p.Ala360= (NM_001278344.2).
Identifiers: ClinVar variation 136286 (VCV000136286.24), dbSNP rs369560444, ClinGen allele CA333045.